The following is an entry in ClinVar:

ClinVar aggregate classification (germline): Uncertain significance. Review status: criteria provided, multiple submitters, no conflicts (2 of 4 stars). 4 submissions from 4 submitters: Uncertain significance (4). Last evaluated 2024-02-17.

Conditions:
Imerslund-Grasbeck syndrome. Also called: PERNICIOUS ANEMIA, JUVENILE, DUE TO SELECTIVE INTESTINAL MALABSORPTION OF VITAMIN B12, WITH PROTEINURIA; Megaloblastic anemia due to inborn errors of metabolism; ENTEROCYTE COBALAMIN MALABSORPTION; ENTEROCYTE INTRINSIC FACTOR RECEPTOR, DEFECT OF; Imerslund-Gräsbeck syndrome. Identifiers: Orphanet 35858, MedGen C4551825, MONDO:0009853.
Proteinuria, chronic benign. Identifiers: MedGen C5394384, MONDO:0030042, OMIM 618884.
Imerslund-Grasbeck syndrome type 1 (IGS1). Also called: Imerslund-Gräsbeck syndrome 1; Megaloblastic anemia 1, Finnish type; MEGALOBLASTIC ANEMIA, 1. Identifiers: MedGen C4016819, MONDO:0100156, OMIM 261100.
Inborn genetic diseases. Identifiers: MedGen C0950123, MeSH D030342.

Allele frequency attached by ClinVar (database versions not stated): gnomAD exomes 0.00020 and 0.00002; ExAC 0.00004; gnomAD 0.00002 and 0.00003; TOPMed 0.00006; ESP Exome Variant Server 0.00015.
gnomAD v4.1: 291 of 1,613,958 alleles (0.018%); highest among the groups gnomAD compares: Non-Finnish European, 0.024%; no homozygotes.

Submissions (4):

Labcorp Genetics (formerly Invitae), Labcorp
Classification: Uncertain significance for Imerslund-Grasbeck syndrome. Last evaluated: 2024-02-17. Review status: criteria provided, single submitter. Criteria: Invitae Variant Classification Sherloc (09022015). Collection method: clinical testing. Allele origin: germline.
Comment: This sequence change replaces asparagine, which is neutral and polar, with serine, which is neutral and polar, at codon 2002 of the CUBN protein (p.Asn2002Ser). This variant is present in population databases (rs368261414, gnomAD 0.007%). This variant has not been reported in the literature in individuals affected with CUBN-related conditions. ClinVar contains an entry for this variant (Variation ID: 1402770). Advanced modeling of protein sequence and biophysical properties (such as structural, functional, and spatial information, amino acid conservation, physicochemical variation, residue mobility, and thermodynamic stability) performed at Invitae indicates that this missense variant is not expected to disrupt CUBN protein function with a negative predictive value of 80%. In summary, the available evidence is currently insufficient to determine the role of this variant in disease. Therefore, it has been classified as a Variant of Uncertain Significance.

Fulgent Genetics
Classification: Uncertain significance for Imerslund-Grasbeck syndrome type 1; Proteinuria, chronic benign. Last evaluated: 2024-01-04. Review status: criteria provided, single submitter. Criteria: ACMG Guidelines, 2015. Collection method: clinical testing. Allele origin: germline.

Ambry Genetics
Classification: Uncertain significance for Inborn genetic diseases. Last evaluated: 2022-06-06. Review status: criteria provided, single submitter. Criteria: Ambry Variant Classification Scheme 2023. Collection method: clinical testing. Allele origin: germline.

Breakthrough Genomics
Classification: Uncertain significance. Review status: criteria provided, single submitter. Criteria: ACMG Guidelines, 2015. Collection method: not provided. Allele origin: germline. Inheritance: Autosomal recessive inheritance. Affected: yes.

NM_001081.4(CUBN):c.6005A>G (p.Asn2002Ser)

Gene: CUBN (cubilin; minus strand). Cytogenetic location: 10p13.
Variant type: single nucleotide variant.
Coding change: c.6005A>G on transcript NM_001081.4 (MANE Select); coding-DNA position 6005, A replaced by G.
Protein change: p.Asn2002Ser; replaces asparagine 2002 with serine.
Molecular consequence: missense variant.
Genome position (GRCh38, 1-based): chr10:16,933,206, T>C on the plus strand (A>G on the coding strand, the complement: CUBN is on the minus strand). VCF-style: chr10-16933206-T-C. GRCh37 (hg19) VCF-style: chr10-16975205-T-C.
Other names: c.6005A>G (NM_001081.3); short protein forms N2002S.
Identifiers: ClinVar variation 1402770 (VCV001402770.10), dbSNP rs368261414, ClinGen allele CA5423831.